The following is an entry in ClinVar:

NM_000179.3(MSH6):c.1790A>G (p.Glu597Gly)

Gene: MSH6 (mutS homolog 6; plus strand). Cytogenetic location: 2p16.3.
Variant type: single nucleotide variant.
Coding change: c.1790A>G on transcript NM_000179.3 (MANE Select); coding-DNA position 1790, A replaced by G.
Protein change: p.Glu597Gly; replaces glutamic acid 597 with glycine.
Molecular consequence: missense variant.
Genome position (GRCh38, 1-based): chr2:47,799,773, A>G. VCF-style: chr2-47799773-A-G. GRCh37 (hg19) VCF-style: chr2-48026912-A-G.
Other names: c.1400A>G, p.Glu467Gly (NM_001281492.2); c.884A>G, p.Glu295Gly (NM_001281493.2, NM_001281494.2); short protein forms E597G, E295G, E467G.
Identifiers: ClinVar variation 491883 (VCV000491883.14), dbSNP rs1553413180, ClinGen allele CA346749287.
Genomic context (GRCh38, chr2:47,799,773, plus strand): 5'-GCCATTGTTCGAGATTTAGGACTCTAGTGGCACACTATCCCCCAGTACAAGTTTTATTTG[A>G]AAAAGGAAATCTCTCAAAGGAAACTAAAACAATTCTAAAGAGTTCATTGTCCTGTTCTCT-3'
Protein context (NP_000170.1, residues 587-607): AHYPPVQVLF[Glu597Gly]KGNLSKETKT

ClinVar aggregate classification (germline): Uncertain significance. Review status: criteria provided, multiple submitters, no conflicts (2 of 4 stars). 5 submissions from 5 submitters: Uncertain significance (5). Last evaluated 2025-05-11.

Conditions:
Hereditary nonpolyposis colorectal neoplasms. Identifiers: MedGen C0009405, MeSH D003123.
Endometrial carcinoma. Also called: Endometrial carcinoma, somatic. Identifiers: MedGen C0476089, MONDO:0002447, OMIM 608089, HP:0012114.
Hereditary cancer-predisposing syndrome. Also called: Hereditary neoplastic syndrome; Tumor predisposition; Hereditary Cancer Syndrome; Neoplastic Syndromes, Hereditary. Identifiers: Orphanet 140162, MedGen C0027672, MeSH D009386, MONDO:0015356.

Allele frequency attached by ClinVar (database versions not stated): gnomAD exomes 0.00001.
gnomAD v4.1: 3 of 1,614,238 alleles (0.00019%); highest among the groups gnomAD compares: East Asian, 0.0067%; no homozygotes.

Submissions (5):

Labcorp Genetics (formerly Invitae), Labcorp
Classification: Uncertain significance for Hereditary nonpolyposis colorectal neoplasms. Last evaluated: 2025-05-11. Review status: criteria provided, single submitter. Criteria: Invitae Variant Classification Sherloc (09022015). Collection method: clinical testing. Allele origin: germline.
Comment: This sequence change replaces glutamic acid, which is acidic and polar, with glycine, which is neutral and non-polar, at codon 597 of the MSH6 protein (p.Glu597Gly). This variant is not present in population databases (gnomAD no frequency). This variant has not been reported in the literature in individuals affected with MSH6-related conditions. ClinVar contains an entry for this variant (Variation ID: 491883). Invitae Evidence Modeling of protein sequence and biophysical properties (such as structural, functional, and spatial information, amino acid conservation, physicochemical variation, residue mobility, and thermodynamic stability) has been performed for this missense variant. However, the output from this modeling did not meet the statistical confidence thresholds required to predict the impact of this variant on MSH6 protein function. In summary, the available evidence is currently insufficient to determine the role of this variant in disease. Therefore, it has been classified as a Variant of Uncertain Significance.

Ambry Genetics
Classification: Uncertain significance for Hereditary cancer-predisposing syndrome. Last evaluated: 2024-12-02. Review status: criteria provided, single submitter. Criteria: Ambry Variant Classification Scheme 2023. Collection method: clinical testing. Allele origin: germline.
Comment: The p.E597G variant (also known as c.1790A>G), located in coding exon 4 of the MSH6 gene, results from an A to G substitution at nucleotide position 1790. The glutamic acid at codon 597 is replaced by glycine, an amino acid with similar properties. This amino acid position is highly conserved in available vertebrate species. In addition, this alteration is predicted to be deleterious by in silico analysis. Based on the available evidence, the clinical significance of this variant remains unclear.

Color Diagnostics, LLC DBA Color Health
Classification: Uncertain significance for Hereditary cancer-predisposing syndrome. Last evaluated: 2023-12-04. Review status: criteria provided, single submitter. Criteria: ACMG Guidelines, 2015. Collection method: clinical testing. Allele origin: germline.
Comment: This missense variant replaces glutamic acid with glycine at codon 597 of the MSH6 protein. Computational prediction suggests that this variant may have deleterious impact on protein structure and function (internally defined REVEL score threshold >= 0.7, PMID: 27666373). To our knowledge, functional studies have not been reported for this variant. This variant has not been reported in individuals affected with MSH6-related disorders in the literature. This variant has not been identified in the general population by the Genome Aggregation Database (gnomAD). The available evidence is insufficient to determine the role of this variant in disease conclusively. Therefore, this variant is classified as a Variant of Uncertain Significance.

Baylor Genetics
Classification: Uncertain significance for Endometrial carcinoma. Last evaluated: 2023-06-18. Review status: criteria provided, single submitter. Criteria: ACMG Guidelines, 2015. Collection method: clinical testing. Allele origin: unknown.

GeneDx
Classification: Uncertain significance. Last evaluated: 2022-02-17. Review status: criteria provided, single submitter. Criteria: GeneDx Variant Classification Process June 2021. Collection method: clinical testing. Allele origin: germline. Affected: yes.
Comment: Not observed at significant frequency in large population cohorts (gnomAD); In silico analysis supports that this missense variant has a deleterious effect on protein structure/function; Has not been previously published as pathogenic or benign to our knowledge; This variant is associated with the following publications: (PMID: 17531815, 21120944)